The following is an entry in ClinVar:

ClinVar aggregate classification (germline): Likely pathogenic (1 of 4 stars; one submission).

Conditions:
Autosomal recessive limb-girdle muscular dystrophy type 2C (LGMDR5). Also called: MUSCULAR DYSTROPHY, DUCHENNE-LIKE; MUSCULAR DYSTROPHY, LIMB-GIRDLE, AUTOSOMAL RECESSIVE 5. Identifiers: Orphanet 353, MedGen C0410173, MONDO:0009677, OMIM 253700. Disease mechanism: Affects gamma-sarcoglycan and also disrupts the integrity of the entire sarcoglycan complex..

Submission:

Natera, Inc.
Classification: Likely pathogenic for Limb-girdle muscular dystrophy type 2C. Last evaluated: 2024-03-22. Review status: criteria provided, single submitter. Criteria: Natera Variant Classification Schema (03/2026). Collection method: clinical testing. Allele origin: germline.
Comment: The c.386-1G>T variant in SGCG is a canonical splice acceptor site variant predicted to affect pre-mRNA splicing, which may result in an abnormal transcript and altered protein product. This variant is expected to result in nonsense mediated decay, truncation, or a dysfunctional protein product. This variant is rare in the general population with a frequency below the threshold expected for the associated phenotype(s). Given the available evidence, this variant is classified as Likely Pathogenic.

NM_000231.3(SGCG):c.386-1G>T

Gene: SGCG (sarcoglycan gamma; plus strand). Cytogenetic location: 13q12.12.
Variant type: single nucleotide variant.
Coding change: c.386-1G>T on transcript NM_000231.3 (MANE Select); the canonical splice acceptor site of the intron before coding-DNA position 386, G replaced by T.
Molecular consequence: splice acceptor variant.
Genome position (GRCh38, 1-based): chr13:23,279,358, G>T. VCF-style: chr13-23279358-G-T. GRCh37 (hg19) VCF-style: chr13-23853497-G-T.
Other names: c.440-1G>T (NM_001378244.1); c.386-1G>T (NM_001378245.1, NM_001378246.1).
Identifiers: ClinVar variation 4817941 (VCV004817941.1).
Genomic context (GRCh38, chr13:23,279,358, plus strand): 5'-AATAGAGATTTGGACACTGCTTGTAGTGAACAGTTTATAATAAACTGTTTTAATTCTTCA[G>T]GTCCCAAAATGGTAGAAGTCCAGAATCAACAGTTTCAGATCAACTCCAACGACGGCAAGC-3'